The following is an entry in ClinVar:

ClinVar aggregate classification (germline): Uncertain significance (1 of 4 stars; one submission).

Conditions:
Charcot-Marie-Tooth disease axonal type 2Z. Also called: CHARCOT-MARIE-TOOTH DISEASE, AXONAL, AUTOSOMAL DOMINANT, TYPE 2Z; CHARCOT-MARIE-TOOTH NEUROPATHY, TYPE 2Z. Identifiers: Orphanet 466768, MedGen C5569025, MONDO:0014736, OMIM 616688.

gnomAD v4.1: 4 of 1,614,022 alleles (0.00025%); highest among the groups gnomAD compares: African/African-American, 0.004%; no homozygotes.

Submission:

Labcorp Genetics (formerly Invitae), Labcorp
Classification: Uncertain significance for Charcot-Marie-Tooth disease axonal type 2Z. Last evaluated: 2025-07-23. Review status: criteria provided, single submitter. Criteria: Invitae Variant Classification Sherloc (09022015). Collection method: clinical testing. Allele origin: germline.
Comment: This sequence change replaces threonine, which is neutral and polar, with arginine, which is basic and polar, at codon 169 of the MORC2 protein (p.Thr169Arg). This variant is present in population databases (no rsID available, gnomAD 0.01%). This variant has not been reported in the literature in individuals affected with MORC2-related conditions. Invitae Evidence Modeling of protein sequence and biophysical properties (such as structural, functional, and spatial information, amino acid conservation, physicochemical variation, residue mobility, and thermodynamic stability) indicates that this missense variant is expected to disrupt MORC2 protein function with a positive predictive value of 95%. In summary, the available evidence is currently insufficient to determine the role of this variant in disease. Therefore, it has been classified as a Variant of Uncertain Significance.

NM_001303256.3(MORC2):c.506C>G (p.Thr169Arg)

Gene: MORC2 (MORC family CW-type zinc finger 2; minus strand). Cytogenetic location: 22q12.2.
Variant type: single nucleotide variant.
Coding change: c.506C>G on transcript NM_001303256.3 (MANE Select); coding-DNA position 506, C replaced by G.
Protein change: p.Thr169Arg; replaces threonine 169 with arginine.
Molecular consequence: missense variant.
Genome position (GRCh38, 1-based): chr22:30,942,192, G>C on the plus strand (C>G on the coding strand, the complement: MORC2 is on the minus strand). VCF-style: chr22-30942192-G-C. GRCh37 (hg19) VCF-style: chr22-31338179-G-C.
Other names: c.506C>G, p.Thr169Arg (NM_001303257.2); c.320C>G, p.Thr107Arg (NM_014941.3); short protein forms T107R, T169R.
Identifiers: ClinVar variation 4807304 (VCV004807304.1).
Genomic context (GRCh38, chr22:30,942,192, plus strand): 5'-ATAAACTGGGTCATCACTTCCTCCTCAGTGCGGAATGGAGAGTACTTATAGATGAGTTCT[G>C]TCTCAATGGCAAATTTCTCTACATTGTCTGTGACAGGTTCCCGGGTCCGAGCATTCCAGG-3'
Protein context (NP_001290185.1, residues 159-179): TDNVEKFAIE[Thr169Arg]ELIYKYSPFR